The following is an entry in ClinVar:

ClinVar aggregate classification (germline): Pathogenic. Review status: criteria provided, multiple submitters, no conflicts (2 of 4 stars). 2 submissions from 2 submitters: Pathogenic (2). Last evaluated 2022-04-26.

Conditions:
Retinal dystrophy. Also called: Inherited retinal dystrophy. Identifiers: Orphanet 71862, MedGen C0854723, MeSH D058499, MONDO:0019118, HP:0000556.

Submissions (2):

Labcorp Genetics (formerly Invitae), Labcorp
Classification: Pathogenic. Last evaluated: 2022-04-26. Review status: criteria provided, single submitter. Criteria: Invitae Variant Classification Sherloc (09022015). Collection method: clinical testing. Allele origin: germline.
Comment: This sequence change creates a premature translational stop signal (p.Leu129Valfs*9) in the RP2 gene. It is expected to result in an absent or disrupted protein product. Loss-of-function variants in RP2 are known to be pathogenic (PMID: 11992260, 20625056). For these reasons, this variant has been classified as Pathogenic. This premature translational stop signal has been observed in individual(s) with retinitis pigmentosa (PMID: 28127548). This variant is not present in population databases (gnomAD no frequency).

Institute of Human Genetics, Univ. Regensburg, Univ. Regensburg
Classification: Pathogenic for Retinal dystrophy. Last evaluated: 2021-01-01. Review status: criteria provided, single submitter. Criteria: ACMG Guidelines, 2015. Collection method: clinical testing. Allele origin: germline. Affected: yes.

Literature cited by the submitters: PubMed 11992260 (cited by Labcorp Genetics (formerly Invitae), Labcorp); PubMed 20625056 (cited by Labcorp Genetics (formerly Invitae), Labcorp); PubMed 28127548 (cited by Labcorp Genetics (formerly Invitae), Labcorp and Institute of Human Genetics, Univ. Regensburg, Univ. Regensburg); PubMed 3646071 (cited by Institute of Human Genetics, Univ. Regensburg, Univ. Regensburg).

NM_006915.3(RP2):c.385_386del (p.Leu129fs)

Gene: RP2 (RP2 activator of ARL3 GTPase; plus strand). Cytogenetic location: Xp11.3.
Variant type: Deletion.
Coding change: c.385_386del on transcript NM_006915.3 (MANE Select); coding-DNA positions 385 to 386, 2 bases deleted (TT; older notation c.385_386delTT).
Protein change: p.Leu129fs; shifts the reading frame from leucine 129.
Molecular consequence: frameshift variant.
Genome position (GRCh38, 1-based): chrX:46,853,758-46,853,759, TT deleted; deleting any 2 consecutive bases within chrX:46,853,755-46,853,759 gives the same sequence; the c. name uses the placement nearest the transcript's 3' end. VCF-style (leftmost placement, unchanged base first): chrX-46853754-CTT-C. GRCh37 (hg19) VCF-style: chrX-46713189-CTT-C.
Other names: short protein forms L129fs.
Identifiers: ClinVar variation 1368127 (VCV001368127.7), dbSNP rs2147081333, ClinGen allele CA2573158920.